The following is an entry in ClinVar:

ClinVar aggregate classification (germline): Uncertain significance (1 of 4 stars; one submission).

Conditions:
RFT1-congenital disorder of glycosylation (CDG1N). Also called: Congenital disorder of glycosylation type In; CDG In; RFT1-CDG. Identifiers: Orphanet 244310, MedGen C2677590, MONDO:0012783, OMIM 612015.

Allele frequency attached by ClinVar (database versions not stated): gnomAD exomes below 0.00001 and 0.00001; ExAC 0.00001; TOPMed 0.00008; gnomAD 0.00009 and 0.00010.
gnomAD v4.1: 20 of 1,613,540 alleles (0.0012%); highest among the groups gnomAD compares: African/African-American, 0.027%; no homozygotes.

Submission:

Labcorp Genetics (formerly Invitae), Labcorp
Classification: Uncertain significance for RFT1-congenital disorder of glycosylation. Last evaluated: 2022-08-23. Review status: criteria provided, single submitter. Criteria: Invitae Variant Classification Sherloc (09022015). Collection method: clinical testing. Allele origin: germline.
Comment: This sequence change replaces proline, which is neutral and non-polar, with leucine, which is neutral and non-polar, at codon 295 of the RFT1 protein (p.Pro295Leu). This variant is present in population databases (rs770676975, gnomAD 0.03%). This variant has not been reported in the literature in individuals affected with RFT1-related conditions. ClinVar contains an entry for this variant (Variation ID: 1431799). Algorithms developed to predict the effect of missense changes on protein structure and function (SIFT, PolyPhen-2, Align-GVGD) all suggest that this variant is likely to be disruptive. In summary, the available evidence is currently insufficient to determine the role of this variant in disease. Therefore, it has been classified as a Variant of Uncertain Significance.

NM_052859.4(RFT1):c.884C>T (p.Pro295Leu)

Gene: RFT1 (RFT1 glycolipid translocator homolog; minus strand). Cytogenetic location: 3p21.1.
Variant type: single nucleotide variant.
Coding change: c.884C>T on transcript NM_052859.4 (MANE Select); coding-DNA position 884, C replaced by T.
Protein change: p.Pro295Leu; replaces proline 295 with leucine.
Molecular consequence: missense variant.
Genome position (GRCh38, 1-based): chr3:53,105,746, G>A on the plus strand (C>T on the coding strand, the complement: RFT1 is on the minus strand). VCF-style: chr3-53105746-G-A. GRCh37 (hg19) VCF-style: chr3-53139762-G-A.
Other names: short protein forms P295L.
Identifiers: ClinVar variation 1431799 (VCV001431799.5), dbSNP rs770676975, ClinGen allele CA2451296.